The following is an entry in ClinVar:

ClinVar aggregate classification (germline): Conflicting classifications of pathogenicity. Review status: criteria provided, conflicting classifications (1 of 4 stars). 3 submissions from 3 submitters: Uncertain significance (2); Benign (1). Last evaluated 2026-01-08.

Conditions:
Oto-palato-digital syndrome, type II (OPD2). Also called: FACIOPALATOOSSEOUS SYNDROME; OPD II SYNDROME; Otopalatodigital Syndrome, Type II; Otopalatodigital Syndrome Type 2 (FLNA-OPD2). Identifiers: Orphanet 669, Orphanet 90652, MedGen C1844696, MONDO:0010571, OMIM 304120.
Heterotopia, periventricular, X-linked dominant (PVNH1). Also called: PERIVENTRICULAR NODULAR HETEROTOPIA 4; HETEROTOPIA, PERIVENTRICULAR, 1; PERIVENTRICULAR NODULAR HETEROTOPIA 1; X-linked periventricular heterotopia. Identifiers: Orphanet 2149, Orphanet 82004, MedGen C1848213, MONDO:0010233, OMIM 300049.
Melnick-Needles syndrome (MNS). Also called: MELNICK-NEEDLES OSTEODYSPLASTY; OSTEODYSPLASTY OF MELNICK AND NEEDLES; Melnick-Needles Syndrome (FLNA-MNS). Identifiers: Orphanet 2484, MedGen C0025237, MONDO:0010650, OMIM 309350.
Frontometaphyseal dysplasia (FMD1). Identifiers: Orphanet 1826, MedGen C0265293, MONDO:0015942.

Allele frequency attached by ClinVar (database versions not stated): ExAC 0.00001; gnomAD exomes 0.00001; gnomAD 0.00002; TOPMed 0.00002.

Submissions (3):

Labcorp Genetics (formerly Invitae), Labcorp
Classification: Benign for Oto-palato-digital syndrome, type II; Heterotopia, periventricular, X-linked dominant; Frontometaphyseal dysplasia; Melnick-Needles syndrome. Last evaluated: 2026-01-08. Review status: criteria provided, single submitter. Criteria: Invitae Variant Classification Sherloc (09022015). Collection method: clinical testing. Allele origin: germline.

GeneDx
Classification: Uncertain significance. Last evaluated: 2025-08-11. Review status: criteria provided, single submitter. Criteria: GeneDx Variant Classification Process June 2021. Collection method: clinical testing. Allele origin: germline. Affected: yes.
Comment: In silico analysis supports that this missense variant has a deleterious effect on protein structure/function; Has not been previously published as pathogenic or benign to our knowledge

Mayo Clinic Laboratories, Mayo Clinic
Classification: Uncertain significance. Last evaluated: 2025-02-17. Review status: criteria provided, single submitter. Criteria: ACMG Guidelines, 2015. Collection method: clinical testing. Allele origin: germline. Observed: 1 variant allele.
Comment: PP3, PM2_supporting

NM_001110556.2(FLNA):c.4051G>A (p.Glu1351Lys)

Gene: FLNA (filamin A; minus strand). Cytogenetic location: Xq28.
Variant type: single nucleotide variant.
Coding change: c.4051G>A on transcript NM_001110556.2 (MANE Select); coding-DNA position 4051, G replaced by A.
Protein change: p.Glu1351Lys; replaces glutamic acid 1351 with lysine.
Molecular consequence: missense variant.
Genome position (GRCh38, 1-based): chrX:154,359,575, C>T on the plus strand (G>A on the coding strand, the complement: FLNA is on the minus strand). VCF-style: chrX-154359575-C-T. GRCh37 (hg19) VCF-style: chrX-153587943-C-T.
Other names: p.Glu1351Lys; c.4051G>A, p.Glu1351Lys (NM_001456.4); c.4051G>A (NM_001456.3); short protein forms E1351K.
Identifiers: ClinVar variation 1505748 (VCV001505748.7), dbSNP rs782269355, ClinGen allele CA10560606.
Genomic context (GRCh38, chrX:154,359,575, plus strand): 5'-TGGTGGTGCCACTTTGGATGCCTGGCCCGTGGACACGCACCCGGGAGGGGTCGCAGCCCT[C>T]GGTCACGGGCACCTGGAAGGGGCTGCTGGGCACGGGACTGCCGTCATAGGTCACGTCCAC-3'
Protein context (NP_001104026.1, residues 1341-1361): PSSPFQVPVT[Glu1351Lys]GCDPSRVRVH